The following is an entry in ClinVar:

NM_000744.7(CHRNA4):c.300G>C (p.Trp100Cys)

Genes: CHRNA4 (cholinergic receptor nicotinic alpha 4 subunit; minus strand), LOC126863087 (P300/CBP strongly-dependent group 1 enhancer GRCh37_chr20:61986832-61988031; plus strand). Cytogenetic location: 20q13.33.
Variant type: single nucleotide variant.
Coding change: c.300G>C on transcript NM_000744.7 (MANE Select); coding-DNA position 300, G replaced by C.
Protein change: p.Trp100Cys; replaces tryptophan 100 with cysteine.
Molecular consequence: missense variant. On other transcripts: 5 prime UTR variant (1), non-coding transcript variant (1).
Genome position (GRCh38, 1-based): chr20:63,356,058, C>G on the plus strand (G>C on the coding strand, the complement: CHRNA4 is on the minus strand). VCF-style: chr20-63356058-C-G. GRCh37 (hg19) VCF-style: chr20-61987410-C-G.
Other names: c.-247G>C (NM_001256573.2); short protein forms W100C.
Identifiers: ClinVar variation 3767763 (VCV003767763.2).

ClinVar aggregate classification (germline): Uncertain significance (1 of 4 stars; one submission).

Submission:

GeneDx
Classification: Uncertain significance. Last evaluated: 2025-09-25. Review status: criteria provided, single submitter. Criteria: GeneDx Variant Classification Process June 2021. Collection method: clinical testing. Allele origin: germline.
Comment: Not observed at significant frequency in large population cohorts (gnomAD); In silico analysis supports that this missense variant has a deleterious effect on protein structure/function; Has not been previously published as pathogenic or benign to our knowledge